The following is an entry in ClinVar:

NM_138459.5(NUS1):c.63G>T (p.Thr21=)

Gene: NUS1 (NUS1 dehydrodolichyl diphosphate synthase subunit; plus strand). Cytogenetic location: 6q22.1.
Variant type: single nucleotide variant.
Coding change: c.63G>T on transcript NM_138459.5 (MANE Select); coding-DNA position 63, G replaced by T.
Protein change: p.Thr21=; no amino-acid change (threonine 21 retained).
Molecular consequence: synonymous variant.
Genome position (GRCh38, 1-based): chr6:117,675,733, G>T. VCF-style: chr6-117675733-G-T. GRCh37 (hg19) VCF-style: chr6-117996896-G-T.
Identifiers: ClinVar variation 719043 (VCV000719043.15), dbSNP rs550854234, ClinGen allele CA3977067.

ClinVar aggregate classification (germline): Likely benign. Review status: criteria provided, multiple submitters, no conflicts (2 of 4 stars). 4 submissions from 4 submitters: Likely benign (3). 1 of the submissions does not count toward it. Last evaluated 2025-12-30.

Conditions:
Congenital disorder of glycosylation, type Iaa. Also called: Congenital disorder of glycosylation, type 1aa. Identifiers: MedGen C4310727, MONDO:0014904, OMIM 617082.
NUS1-related disorder. Also called: NUS1-related condition; NUS1-Related Disorders. Identifiers: MedGen CN382504, MONDO:1060287.

Allele frequency attached by ClinVar (database versions not stated): gnomAD 0.00065; TOPMed 0.00082; ExAC 0.00097; 1000 Genomes Project 30x 0.00219; 1000 Genomes Project 0.00260.
gnomAD v4.1: 849 of 1,537,848 alleles (0.055%); highest among the groups gnomAD compares: East Asian, 1.9%; 9 homozygotes.

Submissions (4):

Labcorp Genetics (formerly Invitae), Labcorp
Classification: Likely benign for Congenital disorder of glycosylation, type Iaa. Last evaluated: 2025-12-30. Review status: criteria provided, single submitter. Criteria: Invitae Variant Classification Sherloc (09022015). Collection method: clinical testing. Allele origin: germline.

Blueprint Genetics
Classification: Likely benign. Last evaluated: 2024-11-26. Review status: criteria provided, single submitter. Criteria: ACMG Guidelines, 2015. Collection method: clinical testing. Allele origin: germline.

Breakthrough Genomics
Classification: Likely benign. Review status: criteria provided, single submitter. Criteria: ACMG Guidelines, 2015. Collection method: not provided. Allele origin: germline. Inheritance: Autosomal recessive inheritance. Affected: yes.

PreventionGenetics, part of Exact Sciences
Classification: Benign for NUS1-related condition. Last evaluated: 2019-12-06. Review status: no assertion criteria provided. Collection method: clinical testing. Allele origin: germline. Not counted in ClinVar's aggregate classification.
Comment: This variant is classified as benign based on ACMG/AMP sequence variant interpretation guidelines (Richards et al. 2015 PMID: 25741868, with internal and published modifications).